The following is an entry in ClinVar:

ClinVar aggregate classification (germline): Pathogenic. Review status: criteria provided, multiple submitters, no conflicts (2 of 4 stars). 8 submissions from 8 submitters: Pathogenic (8). Last evaluated 2026-06-09.

Conditions:
CDH23-related disorder. Also called: CDH23-related condition; CDH23-related disorders.
Usher syndrome type 1 (USH1). Also called: RETINITIS PIGMENTOSA AND CONGENITAL DEAFNESS. Identifiers: Orphanet 231169, Orphanet 886, MedGen C1568247, MONDO:0010168, OMIM 276900.
autosomal recessive CDH23-related disorders.
Pituitary adenoma 5, multiple types. Identifiers: MedGen C4539685, MONDO:0054601, OMIM 617540.
Inborn genetic diseases. Identifiers: MedGen C0950123, MeSH D030342.

Submissions (8):

GeneDx
Classification: Pathogenic. Last evaluated: 2026-06-09. Review status: criteria provided, single submitter. Criteria: GeneDx Variant Classification Process June 2021. Collection method: clinical testing. Allele origin: germline.
Comment: Reported with a second variant (phase unknown) in unrelated patients with Usher syndrome or a combination of sensorineural hearing loss and vestibular impairment in published literature (PMID: 27460420, 21940737, 27743452); Frameshift variant predicted to result in protein truncation or nonsense mediated decay in a gene for which loss of function is a known mechanism of disease; Not observed at significant frequency in large population cohorts (gnomAD); This variant is associated with the following publications: (PMID: 33749171, 11138009, 21940737, 27743452, 38219857, 27460420)

Labcorp Genetics (formerly Invitae), Labcorp
Classification: Pathogenic. Last evaluated: 2025-12-16. Review status: criteria provided, single submitter. Criteria: Invitae Variant Classification Sherloc (09022015). Collection method: clinical testing. Allele origin: germline.
Comment: This sequence change creates a premature translational stop signal (p.Thr1587Cysfs*4) in the CDH23 gene. It is expected to result in an absent or disrupted protein product. Loss-of-function variants in CDH23 are known to be pathogenic (PMID: 11138009, 21940737). This variant is present in population databases (rs759981467, gnomAD 0.005%). This premature translational stop signal has been observed in individual(s) with Usher syndrome (PMID: 27743452). ClinVar contains an entry for this variant (Variation ID: 854878). For these reasons, this variant has been classified as Pathogenic.

Variantyx, Inc.
Classification: Pathogenic for Autosomal recessive CDH23-related disorders. Last evaluated: 2025-12-14. Review status: criteria provided, single submitter. Criteria: Variantyx Assertion Criteria 2022. Collection method: clinical testing. Allele origin: germline. Inheritance: Autosomal recessive inheritance.
Comment: This is a frameshift variant in the CDH23 gene (OMIM: 605516). Pathogenic variants in this gene have been associated with autosomal recessive CDH23-related disorders. This variant introduces a premature termination codon in exon 38 out of 70 and is expected to result in loss of function, which is a known disease mechanism for CDH23 in this disorder (PMID: 11138009, 21940737) (PVS1). It has a 0.0071% maximum allele frequency in non-founder control populations (PM2). Based on the current evidence, this variant is classified as pathogenic for autosomal recessive CDH23-related disorders.

PreventionGenetics, part of Exact Sciences
Classification: Pathogenic for CDH23-related condition. Last evaluated: 2025-06-02. Review status: criteria provided, single submitter. Criteria: ACMG Guidelines, 2015. Collection method: clinical testing. Allele origin: germline.
Comment: The CDH23 c.4759_4766del8 variant is predicted to result in a frameshift and premature protein termination (p.Thr1587Cysfs*4). This variant was reported in individuals with Usher syndrome or retinitis pigmentosa (see, for example, Kletke et al. 2017. PubMed ID: 27743452; supplementary data, Lin et al. 2024. PubMed ID: 38219857). This variant is reported in 0.0048% of alleles in individuals of European (Non-Finnish) descent in gnomAD. Frameshift variants in CDH23 are expected to be pathogenic for autosomal recessive CDH23-related disease. This variant is interpreted as pathogenic for autosomal recessive disease.

Natera, Inc.
Classification: Pathogenic for Usher syndrome type 1. Last evaluated: 2024-03-22. Review status: criteria provided, single submitter. Criteria: Natera Variant Classification Schema (03/2026). Collection method: clinical testing. Allele origin: germline.
Comment: The c.4759_4766delACACGGCC variant in CDH23 is a frameshift variant predicted to shift the reading frame beginning at codon 1587 and leads to a stop codon 4 codons downstream. This variant is expected to result in nonsense mediated decay, truncation, or a dysfunctional protein product. This variant is rare in the general population with a frequency below the threshold expected for the associated phenotype(s). This variant has been observed in one or more individuals affected with the associated recessive disease, as either homozygous or compound heterozygous with a second variant (PMID: 27460420). Given the available evidence, this variant is classified as Pathogenic.

Blueprint Genetics
Classification: Pathogenic for CDH23-related disorders. Last evaluated: 2024-03-07. Review status: criteria provided, single submitter. Criteria: ACMG Guidelines, 2015. Collection method: clinical testing. Allele origin: germline. Affected: yes. Observed: 5 variant alleles.

Baylor Genetics
Classification: Pathogenic for Pituitary adenoma 5, multiple types. Last evaluated: 2024-02-17. Review status: criteria provided, single submitter. Criteria: ACMG Guidelines, 2015. Collection method: clinical testing. Allele origin: unknown.

Ambry Genetics
Classification: Pathogenic for Inborn genetic diseases. Last evaluated: 2021-01-15. Review status: criteria provided, single submitter. Criteria: Ambry Variant Classification Scheme 2023. Collection method: clinical testing. Allele origin: germline.
Comment: The c.4759_4766delACACGGCC (p.T1587Cfs*4) alteration, located in exon 38 (coding exon 37) of the CDH23 gene, consists of a deletion of 8 nucleotides from position 4759 to 4766, causing a translational frameshift with a predicted alternate stop codon after 4 amino acids. In addition to the clinical data presented in the literature, this alteration is expected to result in loss of function by premature protein truncation or nonsense-mediated mRNA decay. Based on data from the Genome Aggregation Database (gnomAD), the CDH23 c.4759_4766delACACGGCC alteration was observed in 0.0022% (6/274,206) total alleles studied, with a frequency of 0.0048% (6/124,894) in the European (non-Finnish) subpopulation. The phase of missense variant and this alteration was not provided (Kletke, 2017). Based on the available evidence, this alteration is classified as pathogenic.

Literature cited by the submitters: PubMed 11138009 (cited by Labcorp Genetics (formerly Invitae), Labcorp and Variantyx, Inc.); PubMed 21940737 (cited by Labcorp Genetics (formerly Invitae), Labcorp and Variantyx, Inc.); PubMed 27743452 (cited by Labcorp Genetics (formerly Invitae), Labcorp and Ambry Genetics); PubMed 27460420 (cited by Natera, Inc.).

NM_022124.6(CDH23):c.4759_4766del (p.Thr1587fs)

Gene: CDH23 (cadherin related 23; plus strand). Cytogenetic location: 10q22.1.
Variant type: Deletion.
Coding change: c.4759_4766del on transcript NM_022124.6 (MANE Select); coding-DNA positions 4759 to 4766, 8 bases deleted (ACACGGCC; older notation c.4759_4766delACACGGCC).
Protein change: p.Thr1587fs; shifts the reading frame from threonine 1587.
Molecular consequence: frameshift variant.
Genome position (GRCh38, 1-based): chr10:71,741,835-71,741,842, ACACGGCC deleted; deleting any 8 consecutive bases within chr10:71,741,832-71,741,842 gives the same sequence; the c. name uses the placement nearest the transcript's 3' end. VCF-style (leftmost placement, unchanged base first): chr10-71741831-CGCCACACG-C. GRCh37 (hg19) VCF-style: chr10-73501588-CGCCACACG-C.
Other names: c.4759_4766del8 (NM_022124.5); c.4759_4766delACACGGCC (NM_022124.5); short protein forms T1587fs.
Identifiers: ClinVar variation 854878 (VCV000854878.19), dbSNP rs759981467, ClinGen allele CA5545141.